The following is an entry in ClinVar:

NM_000051.4(ATM):c.6791C>G (p.Thr2264Ser)

Genes: ATM (ATM serine/threonine kinase; plus strand), C11orf65 (chromosome 11 open reading frame 65; minus strand). Cytogenetic location: 11q22.3.
Variant type: single nucleotide variant.
Coding change: c.6791C>G on transcript NM_000051.4 (MANE Select); coding-DNA position 6791, C replaced by G.
Protein change: p.Thr2264Ser; replaces threonine 2264 with serine.
Molecular consequence: missense variant. On other transcripts: intron variant (2).
Genome position (GRCh38, 1-based): chr11:108,325,528, C>G. VCF-style: chr11-108325528-C-G. GRCh37 (hg19) VCF-style: chr11-108196255-C-G.
Other names: c.6791C>G, p.Thr2264Ser (NM_001351834.2); c.641-16457G>C (NM_001330368.2); c.*38+9692G>C (NM_001351110.2); short protein forms T2264S.
Identifiers: ClinVar variation 2068287 (VCV002068287.4), dbSNP rs1468747245, ClinGen allele CA382555521.

ClinVar aggregate classification (germline): Uncertain significance (1 of 4 stars; one submission).

Conditions:
Ataxia-telangiectasia syndrome (AT). Also called: Ataxia-telangiectasia, complementation group D; AT, COMPLEMENTATION GROUP C; ATAXIA-TELANGIECTASIA, COMPLEMENTATION GROUP A; ATAXIA-TELANGIECTASIA, FRESNO VARIANT; Ataxia-telangiectasia, complementation group E; LOUIS-BAR SYNDROME. Identifiers: Orphanet 100, MedGen C0004135, MONDO:0008840, OMIM 208900.

gnomAD v4.1: 1 of 1,604,918 alleles (0.000062%); highest among the groups gnomAD compares: Non-Finnish European, 0.000085%; no homozygotes.

Submission:

Labcorp Genetics (formerly Invitae), Labcorp
Classification: Uncertain significance for Ataxia-telangiectasia syndrome. Last evaluated: 2025-12-10. Review status: criteria provided, single submitter. Criteria: Invitae Variant Classification Sherloc (09022015). Collection method: clinical testing. Allele origin: germline.
Comment: This sequence change replaces threonine, which is neutral and polar, with serine, which is neutral and polar, at codon 2264 of the ATM protein (p.Thr2264Ser). This variant is not present in population databases (gnomAD no frequency). This variant has not been reported in the literature in individuals affected with ATM-related conditions. ClinVar contains an entry for this variant (Variation ID: 2068287). Invitae Evidence Modeling of protein sequence and biophysical properties (such as structural, functional, and spatial information, amino acid conservation, physicochemical variation, residue mobility, and thermodynamic stability) indicates that this missense variant is not expected to disrupt ATM protein function with a negative predictive value of 95%. In summary, the available evidence is currently insufficient to determine the role of this variant in disease. Therefore, it has been classified as a Variant of Uncertain Significance.